The following is an entry in ClinVar:

NM_000059.4(BRCA2):c.540T>A (p.Ile180=)

Gene: BRCA2 (BRCA2 DNA repair associated; plus strand). Cytogenetic location: 13q13.1.
Variant type: single nucleotide variant.
Coding change: c.540T>A on transcript NM_000059.4 (MANE Select); coding-DNA position 540, T replaced by A.
Protein change: p.Ile180=; no amino-acid change (isoleucine 180 retained).
Molecular consequence: synonymous variant. On other transcripts: non-coding transcript variant (1).
Genome position (GRCh38, 1-based): chr13:32,326,522, T>A. VCF-style: chr13-32326522-T-A. GRCh37 (hg19) VCF-style: chr13-32900659-T-A.
Other names: c.540T>A, p.Ile180= (NM_001406719.1, NM_001406720.1, NM_001406721.1 and 1 more transcripts); c.171T>A, p.Ile57= (NM_001406722.1).
Identifiers: ClinVar variation 3900119 (VCV003900119.2).

ClinVar aggregate classification (germline): Conflicting classifications of pathogenicity. Review status: criteria provided, conflicting classifications (1 of 4 stars). 2 submissions from 2 submitters: Uncertain significance (1); Likely benign (1). Last evaluated 2026-01-20.

Conditions:
Hereditary breast ovarian cancer syndrome. Also called: Hereditary breast and ovarian cancer syndrome; Hereditary breast and/or ovarian cancer syndrome; Hereditary breast and ovarian cancer; Hereditary breast and ovarian cancer syndrome (HBOC); BRCA1- and BRCA2-Associated Hereditary Breast and Ovarian Cancer; Breast and ovarian cancer. Identifiers: Orphanet 145, MedGen C0677776, MeSH D061325, MONDO:0003582. Disease mechanism: loss of function.

Submissions (2):

Labcorp Genetics (formerly Invitae), Labcorp
Classification: Likely benign for Hereditary breast ovarian cancer syndrome. Last evaluated: 2026-01-20. Review status: criteria provided, single submitter. Criteria: Invitae Variant Classification Sherloc (09022015). Collection method: clinical testing. Allele origin: germline.

GeneDx
Classification: Uncertain significance. Last evaluated: 2024-11-22. Review status: criteria provided, single submitter. Criteria: GeneDx Variant Classification Process June 2021. Collection method: clinical testing. Allele origin: germline. Affected: yes.
Comment: Not observed at significant frequency in large population cohorts (gnomAD); In silico analysis indicates that this variant does not alter splicing; Has not been previously published as pathogenic or benign to our knowledge; Also known as 768T>A